The following is an entry in ClinVar:

ClinVar aggregate classification (germline): Uncertain significance. Review status: criteria provided, multiple submitters, no conflicts (2 of 4 stars). 2 submissions from 2 submitters: Uncertain significance (2). Last evaluated 2025-12-14.

Conditions:
POLD1-related polyposis and colorectal cancer syndrome (CRCS10). Also called: Colorectal cancer, susceptibility to, 10; Colorectal cancer 10; COLORECTAL CANCER, SUSCEPTIBILITY TO, ON CHROMOSOME 19q. Identifiers: Orphanet 220460, MedGen C2675481, MONDO:0012953, OMIM 612591.
Hereditary cancer-predisposing syndrome. Also called: Neoplastic Syndromes, Hereditary; Hereditary neoplastic syndrome; Hereditary Cancer Syndrome; Tumor predisposition. Identifiers: Orphanet 140162, MedGen C0027672, MeSH D009386, MONDO:0015356.

Allele frequency attached by ClinVar (database versions not stated): gnomAD exomes below 0.00001.
gnomAD v4.1: 1 of 1,611,690 alleles (0.000062%); highest among the groups gnomAD compares: Non-Finnish European, 0.000085%; no homozygotes.

Submissions (2):

Ambry Genetics
Classification: Uncertain significance for Hereditary cancer-predisposing syndrome. Last evaluated: 2025-12-14. Review status: criteria provided, single submitter. Criteria: Ambry Variant Classification Scheme 2023. Collection method: clinical testing. Allele origin: germline.
Comment: The p.V782A variant (also known as c.2345T>C), located in coding exon 18 of the POLD1 gene, results from a T to C substitution at nucleotide position 2345. The valine at codon 782 is replaced by alanine, an amino acid with similar properties. This amino acid position is conserved. In addition, the in silico prediction for this alteration is inconclusive. Based on the available evidence, the clinical significance of this variant remains unclear.

Labcorp Genetics (formerly Invitae), Labcorp
Classification: Uncertain significance for POLD1-related polyposis and colorectal cancer syndrome. Last evaluated: 2016-10-14. Review status: criteria provided, single submitter. Criteria: Invitae Variant Classification Sherloc (09022015). Collection method: clinical testing. Allele origin: germline.
Comment: This sequence change replaces valine with alanine at codon 782 of the POLD1 protein (p.Val782Ala). The valine residue is highly conserved and there is a small physicochemical difference between valine and alanine. This variant is not present in population databases (ExAC no frequency) and has not been reported in the literature in individuals with a POLD1-related disease. Algorithms developed to predict the effect of missense changes on protein structure and function do not agree on the potential impact of this missense change (SIFT: "Deleterious"; PolyPhen-2: "Probably Damaging"; Align-GVGD: "Class C0"). In summary, this variant is a novel missense change with uncertain impact on protein function. It has been classified as a Variant of Uncertain Significance.

NM_002691.4(POLD1):c.2345T>C (p.Val782Ala)

Gene: POLD1 (DNA polymerase delta 1, catalytic subunit; plus strand). Cytogenetic location: 19q13.33.
Variant type: single nucleotide variant.
Coding change: c.2345T>C on transcript NM_002691.4 (MANE Select); coding-DNA position 2345, T replaced by C.
Protein change: p.Val782Ala; replaces valine 782 with alanine.
Molecular consequence: missense variant. On other transcripts: non-coding transcript variant (1).
Genome position (GRCh38, 1-based): chr19:50,413,836, T>C. VCF-style: chr19-50413836-T-C. GRCh37 (hg19) VCF-style: chr19-50917093-T-C.
Other names: c.2345T>C, p.Val782Ala (NM_001256849.1); c.2423T>C, p.Val808Ala (NM_001308632.1); c.2345T>C (NM_002691.2); short protein forms V782A, V808A.
Identifiers: ClinVar variation 408090 (VCV000408090.9), dbSNP rs1060501846, ClinGen allele CA16616161.
Genomic context (GRCh38, chr19:50,413,836, plus strand): 5'-GATTCGGCGTGTCCTCGGTGGCTGAGGCGATGGCCCTGGGGCGGGAGGCCGCGGACTGGG[T>C]GTCAGGTCACTTCCCGTCGCCCATCCGGCTGGAGTTTGAGAAGGTGCGTGGCTGGGTCAG-3'
Protein context (NP_002682.2, residues 772-792): MALGREAADW[Val782Ala]SGHFPSPIRL